The following is an entry in ClinVar:

NM_000228.3(LAMB3):c.138C>T (p.Thr46=)

Gene: LAMB3 (laminin subunit beta 3; minus strand). Cytogenetic location: 1q32.2.
Variant type: single nucleotide variant.
Coding change: c.138C>T on transcript NM_000228.3 (MANE Select); coding-DNA position 138, C replaced by T.
Protein change: p.Thr46=; no amino-acid change (threonine 46 retained).
Molecular consequence: synonymous variant.
Genome position (GRCh38, 1-based): chr1:209,650,009, G>A on the plus strand (C>T on the coding strand, the complement: LAMB3 is on the minus strand). VCF-style: chr1-209650009-G-A. GRCh37 (hg19) VCF-style: chr1-209823354-G-A.
Other names: c.138C>T, p.Thr46= (NM_001017402.2, NM_001127641.1).
Identifiers: ClinVar variation 255584 (VCV000255584.20), dbSNP rs2228339, ClinGen allele CA1376095.

ClinVar aggregate classification (germline): Benign. Review status: criteria provided, multiple submitters, no conflicts (2 of 4 stars). 8 submissions from 6 submitters: Benign (8). Last evaluated 2026-02-04.

Conditions:
Amelogenesis imperfecta type 1A. Also called: Amelogenesis imperfecta local hypoplastic; Amelogenesis imperfecta, hypoplastic type; Amelogenesis imperfecta, type IA; AMELOGENESIS IMPERFECTA, HYPOPLASTIC TYPE IA. Identifiers: Orphanet 88661, MedGen C4011403, MONDO:0007094, OMIM 104530.
Junctional epidermolysis bullosa. Identifiers: Orphanet 305, MedGen C0079301, MONDO:0017612.
Junctional epidermolysis bullosa, non-Herlitz type. Also called: Adult junctional epidermolysis bullosa; COL17A1-Related Junctional Epidermolysis Bullosa; Epidermolysis bullosa, junctional, non-herlitz type, somatic mosaic revertant; EPIDERMOLYSIS BULLOSA JUNCTIONALIS, DISENTIS TYPE; EPIDERMOLYSIS BULLOSA JUNCTIONALIS, NON-HERLITZ TYPE; EPIDERMOLYSIS BULLOSA JUNCTIONALIS, PROGRESSIVE. Identifiers: Orphanet 251393, Orphanet 79402, Orphanet 79405, Orphanet 89840, MedGen C0268374, MONDO:0009180, OMIM 226650.
Junctional epidermolysis bullosa gravis of Herlitz. Also called: Epidermolysis Bullosa Letalis; EPIDERMOLYSIS BULLOSA JUNCTIONALIS, HERLITZ TYPE; EPIDERMOLYSIS BULLOSA, JUNCTIONAL, HERLITZ-PEARSON TYPE; JEB-HERLITZ TYPE; EPIDERMOLYSIS BULLOSA, JUNCTIONAL 1B, SEVERE; Herlitz-type junctional epidermolysis bullosa. Identifiers: Orphanet 79404, MedGen C0079683, MONDO:0009182, OMIM 226700.

Allele frequency attached by ClinVar (database versions not stated): ESP Exome Variant Server 0.24235; gnomAD 0.25110 and 0.25610; gnomAD exomes 0.25427 and 0.28548; TOPMed 0.26633; ExAC 0.27791; 1000 Genomes Project 30x 0.29403; 1000 Genomes Project 0.29792.
gnomAD v4.1: 410,867 of 1,613,834 alleles (25%); highest among the groups gnomAD compares: Admixed American, 42%; 54,518 homozygotes.

Submissions (8):

Labcorp Genetics (formerly Invitae), Labcorp
Classification: Benign. Last evaluated: 2026-02-04. Review status: criteria provided, single submitter. Criteria: Invitae Variant Classification Sherloc (09022015). Collection method: clinical testing. Allele origin: germline.

Genome-Nilou Lab
Classification: Benign for Amelogenesis imperfecta type 1A. Last evaluated: 2021-07-08. Review status: criteria provided, single submitter. Criteria: ACMG Guidelines, 2015. Collection method: clinical testing. Allele origin: germline. Affected: no.

Genome-Nilou Lab
Classification: Benign for Junctional epidermolysis bullosa gravis of Herlitz. Last evaluated: 2021-07-08. Review status: criteria provided, single submitter. Criteria: ACMG Guidelines, 2015. Collection method: clinical testing. Allele origin: germline. Affected: no.

Genome-Nilou Lab
Classification: Benign for Junctional epidermolysis bullosa, non-Herlitz type. Last evaluated: 2021-07-08. Review status: criteria provided, single submitter. Criteria: ACMG Guidelines, 2015. Collection method: clinical testing. Allele origin: germline. Affected: no.

Illumina Laboratory Services, Illumina
Classification: Benign for Junctional epidermolysis bullosa. Last evaluated: 2018-01-12. Review status: criteria provided, single submitter. Criteria: ICSL Variant Classification Criteria 13 December 2019. Collection method: clinical testing. Allele origin: germline.
Comment: This variant was observed in the ICSL laboratory as part of a predisposition screen in an ostensibly healthy population. It had not been previously curated by ICSL or reported in the Human Gene Mutation Database (HGMD: prior to June 1st, 2018), and was therefore a candidate for classification through an automated scoring system. Utilizing variant allele frequency, disease prevalence and penetrance estimates, and inheritance mode, an automated score was calculated to assess if this variant is too frequent to cause the disease. Based on the score and internal cut-off values, a variant classified as benign is not then subjected to further curation. The score for this variant resulted in a classification of benign for this disease.

GeneDx
Classification: Benign. Last evaluated: 2015-03-03. Review status: criteria provided, single submitter. Criteria: GeneDx Variant Classification Process June 2021. Collection method: clinical testing. Allele origin: germline. Affected: yes.

Breakthrough Genomics
Classification: Benign. Review status: criteria provided, single submitter. Criteria: ACMG Guidelines, 2015. Collection method: not provided. Allele origin: germline. Inheritance: Autosomal recessive inheritance. Affected: yes.

PreventionGenetics, part of Exact Sciences
Classification: Benign. Review status: criteria provided, single submitter. Criteria: ACMG Guidelines, 2015. Collection method: clinical testing. Allele origin: germline.